The following is an entry in ClinVar:

ClinVar aggregate classification (germline): Pathogenic (1 of 4 stars; one submission).

Submission:

Labcorp Genetics (formerly Invitae), Labcorp
Classification: Pathogenic. Last evaluated: 2022-08-10. Review status: criteria provided, single submitter. Criteria: Invitae Variant Classification Sherloc (09022015). Collection method: clinical testing. Allele origin: germline.
Comment: This sequence change creates a premature translational stop signal (p.Leu301Alafs*15) in the MYH3 gene. It is expected to result in an absent or disrupted protein product. Loss-of-function variants in MYH3 are known to be pathogenic (PMID: 29805041, 30008475). This variant is not present in population databases (gnomAD no frequency). This variant has not been reported in the literature in individuals affected with MYH3-related conditions. Algorithms developed to predict the effect of sequence changes on RNA splicing suggest that this variant may create or strengthen a splice site. For these reasons, this variant has been classified as Pathogenic.

Literature cited by the submitters: PubMed 29805041; PubMed 30008475.

NM_002470.4(MYH3):c.899dup (p.Leu301fs)

Gene: MYH3 (myosin heavy chain 3; minus strand). Cytogenetic location: 17p13.1.
Variant type: Duplication.
Coding change: c.899dup on transcript NM_002470.4 (MANE Select); coding-DNA position 899, one base duplicated (A; older notation c.899dupA).
Protein change: p.Leu301fs; shifts the reading frame from leucine 301.
Molecular consequence: frameshift variant.
Genome position (GRCh38, 1-based): chr17:10,646,032, T duplicated on the plus strand (A on the coding strand, the reverse complement: MYH3 is on the minus strand). VCF-style (leftmost placement, unchanged base first): chr17-10646031-C-CT. GRCh37 (hg19) VCF-style: chr17-10549348-C-CT.
Other names: short protein forms L301fs.
Identifiers: ClinVar variation 2021369 (VCV002021369.4), dbSNP rs2508627354, ClinGen allele CA2580092528.
Genomic context (GRCh38, chr17:10,646,031, plus strand): 5'-CAGGATCTCCCCCTGGCTAATGAACGGGTAGTCGTAAGGGTTGGTCGTAATAAGCAGCAG[C>CT]TCTGAAATGACAAATAGTTCCAGGAGGTTATGCAGATGCAAAGAAAAAACCCACCCAGTG-3'